The following is an entry in ClinVar:

NM_000454.5(SOD1):c.357+3A>G

Gene: SOD1 (superoxide dismutase 1; plus strand). Cytogenetic location: 21q22.11.
Variant type: single nucleotide variant.
Coding change: c.357+3A>G on transcript NM_000454.5 (MANE Select); 3 bases into the intron after coding-DNA position 357, A replaced by G.
Molecular consequence: intron variant.
Genome position (GRCh38, 1-based): chr21:31,667,378, A>G. VCF-style: chr21-31667378-A-G. GRCh37 (hg19) VCF-style: chr21-33039691-A-G.
Identifiers: ClinVar variation 1807416 (VCV001807416.2), dbSNP rs746682134, ClinGen allele CA9998959.

ClinVar aggregate classification (germline): Uncertain significance (1 of 4 stars; one submission).

Allele frequency attached by ClinVar (database versions not stated): gnomAD exomes 0.00004; ExAC 0.00001; TOPMed 0.00001; gnomAD 0.00002.
gnomAD v4.1: 64 of 1,593,622 alleles (0.004%); highest among the groups gnomAD compares: Non-Finnish European, 0.0047%; no homozygotes.

Submission:

Athena Diagnostics
Classification: Uncertain significance. Last evaluated: 2024-03-15. Review status: criteria provided, single submitter. Criteria: Athena Diagnostics Criteria. Collection method: clinical testing. Allele origin: unknown.
Comment: Available data are insufficient to determine the clinical significance of the variant at this time. The frequency of this variant in the general population is uninformative in assessment of its pathogenicity. Computational tools yielded predictions that this variant is unlikely to have an effect on normal RNA splicing.